The following is an entry in ClinVar:

ClinVar aggregate classification (germline): Benign/Likely benign. Review status: criteria provided, multiple submitters, no conflicts (2 of 4 stars). 7 submissions from 7 submitters: Benign (1); Likely benign (6). Last evaluated 2026-03-27.

Conditions:
Cardiovascular phenotype. Identifiers: MedGen CN230736.
Catecholaminergic polymorphic ventricular tachycardia (CVPT). Also called: Catecholamine-induced polymorphic ventricular tachycardia. Identifiers: Orphanet 3286, MedGen C5574922, MONDO:0017990.
Catecholaminergic polymorphic ventricular tachycardia 1. Also called: VENTRICULAR TACHYCARDIA, CATECHOLAMINERGIC POLYMORPHIC, 1, WITH OR WITHOUT ATRIAL DYSFUNCTION AND/OR DILATED CARDIOMYOPATHY; VENTRICULAR TACHYCARDIA, STRESS-INDUCED POLYMORPHIC 1; RYR2-Related Catecholaminergic Polymorphic Ventricular Tachycardia. Identifiers: Orphanet 3286, MedGen C1631597, MONDO:0011484, OMIM 604772.
Cardiomyopathy (CMYO). Also called: Cardiomyopathies. Identifiers: Orphanet 167848, MedGen C0878544, MONDO:0004994, HP:0001638. Inheritance: Various modes of inheritance.

Allele frequency attached by ClinVar (database versions not stated): TOPMed 0.00010; gnomAD exomes 0.00003 and 0.00006; ExAC 0.00004; gnomAD 0.00003.
gnomAD v4.1: 86 of 1,613,676 alleles (0.0053%); highest among the groups gnomAD compares: Non-Finnish European, 0.0071%; no homozygotes.

Submissions (7):

Molecular Diagnostic Laboratory for Inherited Cardiovascular Disease, Montreal Heart Institute
Classification: Likely benign. Last evaluated: 2026-03-27. Review status: criteria provided, single submitter. Criteria: ACMG Guidelines, 2015. Collection method: clinical testing. Allele origin: germline. Affected: no.
Comment: BP7

Labcorp Genetics (formerly Invitae), Labcorp
Classification: Likely benign for Catecholaminergic polymorphic ventricular tachycardia 1. Last evaluated: 2025-10-28. Review status: criteria provided, single submitter. Criteria: Invitae Variant Classification Sherloc (09022015). Collection method: clinical testing. Allele origin: germline.

All of Us Research Program, National Institutes of Health
Classification: Likely benign for Catecholaminergic polymorphic ventricular tachycardia. Last evaluated: 2024-01-11. Review status: criteria provided, single submitter. Criteria: ACMG Guidelines, 2015. Collection method: clinical testing. Allele origin: germline. Inheritance: Autosomal dominant inheritance. Observed: 19 variant alleles, 19 heterozygotes.
Comment: This study involves interpretation of variants in research participants for the purpose of population health screening. Participant phenotype was not available at the time of variant classification. Additional details can be found in publication PMID: 35346344, PMCID: PMC8962531

Ambry Genetics
Classification: Likely benign for Cardiovascular phenotype. Last evaluated: 2020-05-06. Review status: criteria provided, single submitter. Criteria: Ambry Variant Classification Scheme 2023. Collection method: clinical testing. Allele origin: germline.

Women's Health and Genetics/Laboratory Corporation of America, LabCorp
Classification: Likely benign. Last evaluated: 2019-07-12. Review status: criteria provided, single submitter. Criteria: LabCorp Variant Classification Summary - May 2015. Collection method: clinical testing. Allele origin: germline.

Color Diagnostics, LLC DBA Color Health
Classification: Likely benign for Cardiomyopathy. Last evaluated: 2018-11-25. Review status: criteria provided, single submitter. Criteria: ACMG Guidelines, 2015. Collection method: clinical testing. Allele origin: germline.

GeneDx
Classification: Benign. Last evaluated: 2015-03-03. Review status: criteria provided, single submitter. Criteria: GeneDx Variant Classification Process June 2021. Collection method: clinical testing. Allele origin: germline. Affected: yes.

NM_001035.3(RYR2):c.12540C>T (p.Gly4180=)

Genes: RYR2 (ryanodine receptor 2; plus strand), LOC126806068 (BRD4-independent group 4 enhancer GRCh37_chr1:237947411-237948610; plus strand). Cytogenetic location: 1q43.
Variant type: single nucleotide variant.
Coding change: c.12540C>T on transcript NM_001035.3 (MANE Select); coding-DNA position 12540, C replaced by T.
Protein change: p.Gly4180=; no amino-acid change (glycine 4180 retained).
Molecular consequence: synonymous variant.
Genome position (GRCh38, 1-based): chr1:237,784,252, C>T. VCF-style: chr1-237784252-C-T. GRCh37 (hg19) VCF-style: chr1-237947552-C-T.
Other names: c.12540C>T, p.Gly4180= (LRG_402t1).
Identifiers: ClinVar variation 463557 (VCV000463557.19), dbSNP rs772125105, ClinGen allele CA085195.